The following is an entry in ClinVar:

NM_003873.7(NRP1):c.2443C>A (p.Leu815Met)

Gene: NRP1 (neuropilin 1; minus strand). Cytogenetic location: 10p11.22.
Variant type: single nucleotide variant.
Coding change: c.2443C>A on transcript NM_003873.7 (MANE Select); coding-DNA position 2443, C replaced by A.
Protein change: p.Leu815Met; replaces leucine 815 with methionine.
Molecular consequence: missense variant. On other transcripts: non-coding transcript variant (1), intron variant (1).
Genome position (GRCh38, 1-based): chr10:33,182,737, G>T on the plus strand (C>A on the coding strand, the complement: NRP1 is on the minus strand). VCF-style: chr10-33182737-G-T. GRCh37 (hg19) VCF-style: chr10-33471665-G-T.
Other names: c.2425C>A, p.Leu809Met (NM_001244972.2); c.2422C>A, p.Leu808Met (NM_001244973.2); c.2432-2372C>A (NM_001330068.2); short protein forms L808M, L809M, L815M.
Identifiers: ClinVar variation 4998388 (VCV004998388.1).

ClinVar aggregate classification (germline): Uncertain significance (1 of 4 stars; one submission).

Conditions:
NRP1-related disorder. Also called: NRP1-related condition.

Submission:

PreventionGenetics, part of Exact Sciences
Classification: Uncertain significance for NRP1-related condition. Last evaluated: 2024-10-10. Review status: criteria provided, single submitter. Criteria: ACMG Guidelines, 2015. Collection method: clinical testing. Allele origin: germline.
Comment: The NRP1 c.2443C>A variant is predicted to result in the amino acid substitution p.Leu815Met. To our knowledge, this variant has not been reported in the literature or in a large population database (gnomAD), indicating this variant is rare. At this time, the clinical significance of this variant is uncertain due to the absence of conclusive functional and genetic evidence.